The following is an entry in ClinVar:

ClinVar aggregate classification (germline): Benign/Likely benign. Review status: criteria provided, multiple submitters, no conflicts (2 of 4 stars). 2 submissions from 2 submitters: Benign (1); Likely benign (1). Last evaluated 2026-01-01.

Allele frequency attached by ClinVar (database versions not stated): gnomAD exomes 0.00003; ExAC 0.00004; TOPMed 0.00006; gnomAD 0.00007; ESP Exome Variant Server 0.00008.
gnomAD v4.1: 49 of 1,613,780 alleles (0.003%); highest among the groups gnomAD compares: Middle Eastern, 0.016%; no homozygotes.

Submissions (2):

CeGaT Center for Human Genetics Tuebingen
Classification: Likely benign. Last evaluated: 2026-01-01. Review status: criteria provided, single submitter. Criteria: CeGaT Center For Human Genetics Tuebingen Variant Classification Criteria Version 2. Collection method: clinical testing. Allele origin: germline. Affected: yes. Observed: 1 variant allele.
Comment: KMT2C: BP4, BP7

Labcorp Genetics (formerly Invitae), Labcorp
Classification: Benign. Last evaluated: 2023-07-17. Review status: criteria provided, single submitter. Criteria: Invitae Variant Classification Sherloc (09022015). Collection method: clinical testing. Allele origin: germline.

NM_170606.3(KMT2C):c.14508C>T (p.Asp4836=)

Gene: KMT2C (lysine methyltransferase 2C; minus strand). Cytogenetic location: 7q36.1.
Variant type: single nucleotide variant.
Coding change: c.14508C>T on transcript NM_170606.3 (MANE Select); coding-DNA position 14508, C replaced by T.
Protein change: p.Asp4836=; no amino-acid change (aspartic acid 4836 retained).
Molecular consequence: synonymous variant.
Genome position (GRCh38, 1-based): chr7:152,139,212, G>A on the plus strand (C>T on the coding strand, the complement: KMT2C is on the minus strand). VCF-style: chr7-152139212-G-A. GRCh37 (hg19) VCF-style: chr7-151836297-G-A.
Identifiers: ClinVar variation 1917168 (VCV001917168.9), dbSNP rs139864611, ClinGen allele CA4578389.